The following is an entry in ClinVar:

NM_001384474.1(LOXHD1):c.1691T>C (p.Leu564Pro)

Gene: LOXHD1 (lipoxygenase homology PLAT domains 1; minus strand). Cytogenetic location: 18q21.1.
Variant type: single nucleotide variant.
Coding change: c.1691T>C on transcript NM_001384474.1 (MANE Select); coding-DNA position 1691, T replaced by C.
Protein change: p.Leu564Pro; replaces leucine 564 with proline.
Molecular consequence: missense variant.
Genome position (GRCh38, 1-based): chr18:46,579,748, A>G on the plus strand (T>C on the coding strand, the complement: LOXHD1 is on the minus strand). VCF-style: chr18-46579748-A-G. GRCh37 (hg19) VCF-style: chr18-44159711-A-G.
Other names: c.1691T>C, p.Leu564Pro (NM_144612.7); short protein forms L564P.
Identifiers: ClinVar variation 5005888 (VCV005005888.2).

ClinVar aggregate classification (germline): Uncertain significance (1 of 4 stars; one submission).

Conditions:
Autosomal recessive nonsyndromic hearing loss 77. Identifiers: Orphanet 90636, MedGen C2746083, MONDO:0013119, OMIM 613079.

gnomAD v4.1: 3 of 1,551,834 alleles (0.00019%); highest among the groups gnomAD compares: Non-Finnish European, 0.00026%; no homozygotes.

Submission:

Juno Genomics, Hangzhou Juno Genomics, Inc
Classification: Uncertain significance for Autosomal recessive nonsyndromic hearing loss 77. Review status: criteria provided, single submitter. Criteria: ACMG Guidelines, 2015. Collection method: clinical testing. Allele origin: germline.
Comment: Absent from controls (or at extremely low frequency if recessive) in Genome Aggregation Database.